The following is an entry in ClinVar:

ClinVar aggregate classification (germline): Uncertain significance (1 of 4 stars; one submission).

Submission:

Labcorp Genetics (formerly Invitae), Labcorp
Classification: Uncertain significance. Last evaluated: 2022-12-23. Review status: criteria provided, single submitter. Criteria: Invitae Variant Classification Sherloc (09022015). Collection method: clinical testing. Allele origin: germline.
Comment: This variant, c.1429_1431del, results in the deletion of 1 amino acid(s) of the SLC20A2 protein (p.Glu477del), but otherwise preserves the integrity of the reading frame. This variant is present in population databases (rs776433163, gnomAD 0.003%). This variant has not been reported in the literature in individuals affected with SLC20A2-related conditions. Experimental studies and prediction algorithms are not available or were not evaluated, and the functional significance of this variant is currently unknown. In summary, the available evidence is currently insufficient to determine the role of this variant in disease. Therefore, it has been classified as a Variant of Uncertain Significance.

NM_001257180.2(SLC20A2):c.1426GAG[1] (p.Glu477del)

Gene: SLC20A2 (solute carrier family 20 member 2; minus strand). Cytogenetic location: 8p11.21.
Variant type: Microsatellite.
Coding change: c.1426GAG[1] on transcript NM_001257180.2 (MANE Select); one copy of the 3-base unit GAG starting at c.1426; the reference has two copies in a row; one copy, 3 bases deleted.
Protein change: p.Glu477del; deletes glutamic acid 477.
Molecular consequence: inframe deletion.
Genome position (GRCh38, 1-based): chr8:42,437,081-42,437,083, CTC deleted on the plus strand (GAG on the coding strand, the reverse complement: SLC20A2 is on the minus strand); deleting any 3 consecutive bases within chr8:42,437,081-42,437,088 gives the same sequence; the position shown is the placement nearest the transcript's 3' end. VCF-style (leftmost placement, unchanged base first): chr8-42437080-TCTC-T. GRCh37 (hg19) VCF-style: chr8-42294598-TCTC-T.
Other names: c.1426GAG[1], p.Glu477del (NM_001257181.2, NM_006749.5); short protein forms E477del.
Identifiers: ClinVar variation 2819388 (VCV002819388.3), dbSNP rs776433163, ClinGen allele CA4733317.